The following is an entry in ClinVar:

ClinVar aggregate classification (germline): Uncertain significance (1 of 4 stars; one submission).

Conditions:
Inborn genetic diseases. Identifiers: MedGen C0950123, MeSH D030342.

Submission:

Ambry Genetics
Classification: Uncertain significance for Inborn genetic diseases. Last evaluated: 2023-04-25. Review status: criteria provided, single submitter. Criteria: Ambry Variant Classification Scheme 2023. Collection method: clinical testing. Allele origin: germline.
Comment: The p.E1274G variant (also known as c.3821A>G), located in coding exon 21 of the ATR gene, results from an A to G substitution at nucleotide position 3821. The glutamic acid at codon 1274 is replaced by glycine, an amino acid with similar properties. This amino acid position is conserved. In addition, the in silico prediction for this alteration is inconclusive. Since supporting evidence is limited at this time, the clinical significance of this alteration remains unclear.

NM_001184.4(ATR):c.3821A>G (p.Glu1274Gly)

Gene: ATR (ATR checkpoint kinase; minus strand). Cytogenetic location: 3q23.
Variant type: single nucleotide variant.
Coding change: c.3821A>G on transcript NM_001184.4 (MANE Select); coding-DNA position 3821, A replaced by G.
Protein change: p.Glu1274Gly; replaces glutamic acid 1274 with glycine.
Molecular consequence: missense variant.
Genome position (GRCh38, 1-based): chr3:142,535,204, T>C on the plus strand (A>G on the coding strand, the complement: ATR is on the minus strand). VCF-style: chr3-142535204-T-C. GRCh37 (hg19) VCF-style: chr3-142254046-T-C.
Other names: c.3629A>G, p.Glu1210Gly (NM_001354579.2); short protein forms E1210G, E1274G.
Identifiers: ClinVar variation 2567815 (VCV002567815.2), dbSNP rs2108425423, ClinGen allele CA354806470.